The following is an entry in ClinVar:

NM_018082.6(POLR3B):c.1465G>A (p.Ala489Thr)

Gene: POLR3B (RNA polymerase III subunit B; plus strand). Cytogenetic location: 12q23.3.
Variant type: single nucleotide variant.
Coding change: c.1465G>A on transcript NM_018082.6 (MANE Select); coding-DNA position 1465, G replaced by A.
Protein change: p.Ala489Thr; replaces alanine 489 with threonine.
Molecular consequence: missense variant.
Genome position (GRCh38, 1-based): chr12:106,432,318, G>A. VCF-style: chr12-106432318-G-A. GRCh37 (hg19) VCF-style: chr12-106826096-G-A.
Other names: c.1291G>A, p.Ala431Thr (NM_001160708.2); short protein forms A431T, A489T.
Identifiers: ClinVar variation 4975855 (VCV004975855.1).
Genomic context (GRCh38, chr12:106,432,318, plus strand): 5'-TAAACTGTACTTTGTATTACTAATGTTCATTCTTAGAAATGACCATCTTTTGTTTTTTAG[G>A]CATGTGGTTTGGTTAAAAACTTGGCCCTTATGACACACATCACAACTGATATGGAAGATG-3'
Protein context (NP_060552.4, residues 479-499): LCPSDTPEGE[Ala489Thr]CGLVKNLALM

ClinVar aggregate classification (germline): Uncertain significance (1 of 4 stars; one submission).

gnomAD v4.1: 1 of 1,613,144 alleles (0.000062%); no homozygotes.

Submission:

GeneDx
Classification: Uncertain significance. Last evaluated: 2026-01-29. Review status: criteria provided, single submitter. Criteria: GeneDx Variant Classification Process June 2021. Collection method: clinical testing. Allele origin: germline.
Comment: Not observed at significant frequency in large population cohorts (gnomAD); In silico analysis supports that this missense variant has a deleterious effect on protein structure/function; Has not been previously published as pathogenic or benign to our knowledge; In silico analysis is inconclusive as to whether the variant alters gene splicing. In the absence of RNA/functional studies, the actual effect of this sequence change is unknown.